The following is an entry in ClinVar:

NM_000180.4(GUCY2D):c.239C>T (p.Ala80Val)

Gene: GUCY2D (guanylate cyclase 2D, retinal; plus strand). Cytogenetic location: 17p13.1.
Variant type: single nucleotide variant.
Coding change: c.239C>T on transcript NM_000180.4 (MANE Select); coding-DNA position 239, C replaced by T.
Protein change: p.Ala80Val; replaces alanine 80 with valine.
Molecular consequence: missense variant.
Genome position (GRCh38, 1-based): chr17:8,003,286, C>T. VCF-style: chr17-8003286-C-T. GRCh37 (hg19) VCF-style: chr17-7906604-C-T.
Other names: short protein forms A80V.
Identifiers: ClinVar variation 2953106 (VCV002953106.3), dbSNP rs2545417596, ClinGen allele CA397943024.

ClinVar aggregate classification (germline): Uncertain significance (1 of 4 stars; one submission).

Conditions:
Cone-rod dystrophy 6 (CORD6). Also called: RETINAL CONE DYSTROPHY 2; Cone dystrophy progressive. Identifiers: Orphanet 1872, MedGen C1866293, MONDO:0011143, OMIM 601777.
Leber congenital amaurosis 1 (LCA1). Also called: RETINAL BLINDNESS, CONGENITAL; Congenital absence of the rods and cones; Leber's congenital tapetoretinal degeneration; Leber's congenital tapetoretinal dysplasia; AMAUROSIS CONGENITA OF LEBER I. Identifiers: Orphanet 65, MedGen C2931258, MONDO:0008764, OMIM 204000.

Submission:

Labcorp Genetics (formerly Invitae), Labcorp
Classification: Uncertain significance for Leber congenital amaurosis 1; Cone-rod dystrophy 6. Last evaluated: 2023-11-16. Review status: criteria provided, single submitter. Criteria: Invitae Variant Classification Sherloc (09022015). Collection method: clinical testing. Allele origin: germline.
Comment: This sequence change replaces alanine, which is neutral and non-polar, with valine, which is neutral and non-polar, at codon 80 of the GUCY2D protein (p.Ala80Val). This variant is not present in population databases (gnomAD no frequency). This variant has not been reported in the literature in individuals affected with GUCY2D-related conditions. Advanced modeling of protein sequence and biophysical properties (such as structural, functional, and spatial information, amino acid conservation, physicochemical variation, residue mobility, and thermodynamic stability) performed at Invitae indicates that this missense variant is expected to disrupt GUCY2D protein function with a positive predictive value of 80%. In summary, the available evidence is currently insufficient to determine the role of this variant in disease. Therefore, it has been classified as a Variant of Uncertain Significance.